The following is an entry in ClinVar:

ClinVar aggregate classification (germline): Uncertain significance (1 of 4 stars; one submission).

Submission:

GeneDx
Classification: Uncertain significance. Last evaluated: 2026-04-21. Review status: criteria provided, single submitter. Criteria: GeneDx Variant Classification Process June 2021. Collection method: clinical testing. Allele origin: germline.
Comment: Not observed at significant frequency in large population cohorts (gnomAD); In silico analysis supports that this missense variant has a deleterious effect on protein structure/function; Has not been previously published as pathogenic or benign to our knowledge

NM_001395159.1(UNC79):c.3322G>A (p.Ala1108Thr)

Gene: UNC79 (unc-79 subunit of NALCN channel complex; plus strand). Cytogenetic location: 14q32.12.
Variant type: single nucleotide variant.
Coding change: c.3322G>A on transcript NM_001395159.1 (MANE Select); coding-DNA position 3322, G replaced by A.
Protein change: p.Ala1108Thr; replaces alanine 1108 with threonine.
Molecular consequence: missense variant.
Genome position (GRCh38, 1-based): chr14:93,597,490, G>A. VCF-style: chr14-93597490-G-A. GRCh37 (hg19) VCF-style: chr14-94063836-G-A.
Other names: c.3322G>A, p.Ala1108Thr (NM_001346218.2); c.2791G>A, p.Ala931Thr (NM_020818.5); short protein forms A1108T, A931T.
Identifiers: ClinVar variation 5037520 (VCV005037520.1).